The following is an entry in ClinVar:

ClinVar aggregate classification (germline): Uncertain significance. Review status: criteria provided, multiple submitters, no conflicts (2 of 4 stars). 3 submissions from 3 submitters: Uncertain significance (3). Last evaluated 2023-03-31.

Conditions:
Peroxisome biogenesis disorder. Identifiers: Orphanet 79189, MedGen C1832200, MONDO:0019234. Disease mechanism: loss of function.

Allele frequency attached by ClinVar (database versions not stated): gnomAD exomes below 0.00001 and 0.00001; ExAC 0.00003.
gnomAD v4.1: 5 of 1,569,750 alleles (0.00032%); highest among the groups gnomAD compares: Middle Eastern, 0.033%; no homozygotes.

Submissions (3):

Blueprint Genetics
Classification: Uncertain significance. Last evaluated: 2023-03-31. Review status: criteria provided, single submitter. Criteria: ACMG Guidelines, 2015. Collection method: clinical testing. Allele origin: germline.

Labcorp Genetics (formerly Invitae), Labcorp
Classification: Uncertain significance for Peroxisome biogenesis disorder. Last evaluated: 2022-08-15. Review status: criteria provided, single submitter. Criteria: Invitae Variant Classification Sherloc (09022015). Collection method: clinical testing. Allele origin: germline.
Comment: This sequence change replaces proline, which is neutral and non-polar, with arginine, which is basic and polar, at codon 495 of the PEX6 protein (p.Pro495Arg). This variant is present in population databases (rs762174122, gnomAD 0.004%). This variant has not been reported in the literature in individuals affected with PEX6-related conditions. ClinVar contains an entry for this variant (Variation ID: 809936). Algorithms developed to predict the effect of missense changes on protein structure and function (SIFT, PolyPhen-2, Align-GVGD) all suggest that this variant is likely to be tolerated. Algorithms developed to predict the effect of sequence changes on RNA splicing suggest that this variant may create or strengthen a splice site. In summary, the available evidence is currently insufficient to determine the role of this variant in disease. Therefore, it has been classified as a Variant of Uncertain Significance.

CeGaT Center for Human Genetics Tuebingen
Classification: Uncertain significance. Last evaluated: 2018-04-01. Review status: criteria provided, single submitter. Criteria: CeGaT Center For Human Genetics Tuebingen Variant Classification Criteria Version 2. Collection method: clinical testing. Allele origin: germline. Affected: yes. Observed: 1 variant allele.

NM_000287.4(PEX6):c.1484C>G (p.Pro495Arg)

Gene: PEX6 (peroxisomal biogenesis factor 6; minus strand). Cytogenetic location: 6p21.1.
Variant type: single nucleotide variant.
Coding change: c.1484C>G on transcript NM_000287.4 (MANE Select); coding-DNA position 1484, C replaced by G.
Protein change: p.Pro495Arg; replaces proline 495 with arginine.
Molecular consequence: missense variant. On other transcripts: non-coding transcript variant (1).
Genome position (GRCh38, 1-based): chr6:42,968,494, G>C on the plus strand (C>G on the coding strand, the complement: PEX6 is on the minus strand). VCF-style: chr6-42968494-G-C. GRCh37 (hg19) VCF-style: chr6-42936232-G-C.
Other names: c.1220C>G, p.Pro407Arg (NM_001316313.2); short protein forms P407R, P495R.
Identifiers: ClinVar variation 809936 (VCV000809936.47), dbSNP rs762174122, ClinGen allele CA3811312.
Genomic context (GRCh38, chr6:42,968,494, plus strand): 5'-AAGATGGCCTGCAGTTTTGTCTCCACAGCCCCACTACTTTCTGCACAGAGGCTGGAGCAG[G>C]GCACCTGGGGAGGGGATCCCAATGGGTCTGTGAGCAAGGGGAAAGCATGACAAGGGCAGG-3'
Protein context (NP_000278.3, residues 485-505): SHLGLHLLKV[Pro495Arg]CSSLCAESSG